The following is an entry in ClinVar:

ClinVar aggregate classification (germline): Uncertain significance (1 of 4 stars; one submission).

Allele frequency attached by ClinVar (database versions not stated): gnomAD 0.00003; 1000 Genomes Project 30x 0.00031; 1000 Genomes Project 0.00040; TOPMed 0.00001; ESP Exome Variant Server 0.00008; ExAC 0.00002.
gnomAD v4.1: 9 of 1,610,094 alleles (0.00056%); highest among the groups gnomAD compares: African/African-American, 0.0067%; no homozygotes.

Submission:

Labcorp Genetics (formerly Invitae), Labcorp
Classification: Uncertain significance. Last evaluated: 2025-10-03. Review status: criteria provided, single submitter. Criteria: Invitae Variant Classification Sherloc (09022015). Collection method: clinical testing. Allele origin: germline.
Comment: This sequence change replaces methionine, which is neutral and non-polar, with valine, which is neutral and non-polar, at codon 639 of the ABCD3 protein (p.Met639Val). This variant is present in population databases (rs151290108, gnomAD 0.01%). This variant has not been reported in the literature in individuals affected with ABCD3-related conditions. ClinVar contains an entry for this variant (Variation ID: 2990183). An algorithm developed to predict the effect of missense changes on protein structure and function (PolyPhen-2) suggests that this variant is likely to be tolerated. In summary, the available evidence is currently insufficient to determine the role of this variant in disease. Therefore, it has been classified as a Variant of Uncertain Significance.

NM_002858.4(ABCD3):c.1915A>G (p.Met639Val)

Gene: ABCD3 (ATP binding cassette subfamily D member 3; plus strand). Cytogenetic location: 1p21.3.
Variant type: single nucleotide variant.
Coding change: c.1915A>G on transcript NM_002858.4 (MANE Select); coding-DNA position 1915, A replaced by G.
Protein change: p.Met639Val; replaces methionine 639 with valine.
Molecular consequence: missense variant.
Genome position (GRCh38, 1-based): chr1:94,517,064, A>G. VCF-style: chr1-94517064-A-G. GRCh37 (hg19) VCF-style: chr1-94982620-A-G.
Other names: short protein forms M639V.
Identifiers: ClinVar variation 2990183 (VCV002990183.3), dbSNP rs151290108, ClinGen allele CA960610.
Genomic context (GRCh38, chr1:94,517,064, plus strand): 5'-TATATTCACTCTTAGTTACTGACTTTTTTTCCCCCTTCTTTCCCATAGTACTACCTGCAT[A>G]TGGATGGCAGAGGCAACTATGAATTCAAACAGATAACAGAAGATACAGTTGAGTTTGGCT-3'
Protein context (NP_002849.1, residues 629-649): LWKHHEYYLH[Met639Val]DGRGNYEFKQ